The following is an entry in ClinVar:

NM_018297.4(NGLY1):c.880A>G (p.Arg294Gly)

Gene: NGLY1 (N-glycanase 1; minus strand). Cytogenetic location: 3p24.2.
Variant type: single nucleotide variant.
Coding change: c.880A>G on transcript NM_018297.4 (MANE Select); coding-DNA position 880, A replaced by G.
Protein change: p.Arg294Gly; replaces arginine 294 with glycine.
Molecular consequence: missense variant.
Genome position (GRCh38, 1-based): chr3:25,739,578, T>C on the plus strand (A>G on the coding strand, the complement: NGLY1 is on the minus strand). VCF-style: chr3-25739578-T-C. GRCh37 (hg19) VCF-style: chr3-25781069-T-C.
Other names: c.880A>G (NM_018297.3); c.880A>G, p.Arg294Gly (NM_001145293.2, NM_001145295.2); c.754A>G, p.Arg252Gly (NM_001145294.2); short protein forms R252G, R294G.
Identifiers: ClinVar variation 1001495 (VCV001001495.3), dbSNP rs1706019869, ClinGen allele CA351902301.

ClinVar aggregate classification (germline): Uncertain significance. Review status: criteria provided, multiple submitters, no conflicts (2 of 4 stars). 2 submissions from 2 submitters: Uncertain significance (2). Last evaluated 2025-12-04.

Conditions:
Congenital disorder of deglycosylation (CDDG). Identifiers: MedGen C3808991, MONDO:0031376.
Inborn genetic diseases. Identifiers: MedGen C0950123, MeSH D030342.

Allele frequency attached by ClinVar (database versions not stated): gnomAD exomes below 0.00001.
gnomAD v4.1: 1 of 1,613,948 alleles (0.000062%); highest among the groups gnomAD compares: South Asian, 0.0011%; no homozygotes.

Submissions (2):

Ambry Genetics
Classification: Uncertain significance for Inborn genetic diseases. Last evaluated: 2025-12-04. Review status: criteria provided, single submitter. Criteria: Ambry Variant Classification Scheme 2023. Collection method: clinical testing. Allele origin: germline.

Labcorp Genetics (formerly Invitae), Labcorp
Classification: Uncertain significance for Congenital disorder of deglycosylation. Last evaluated: 2021-09-01. Review status: criteria provided, single submitter. Criteria: Invitae Variant Classification Sherloc (09022015). Collection method: clinical testing. Allele origin: germline.
Comment: This sequence change replaces arginine with glycine at codon 294 of the NGLY1 protein (p.Arg294Gly). The arginine residue is highly conserved and there is a moderate physicochemical difference between arginine and glycine. This variant is not present in population databases (ExAC no frequency). This variant has not been reported in the literature in individuals affected with NGLY1-related conditions. Algorithms developed to predict the effect of missense changes on protein structure and function (SIFT, PolyPhen-2, Align-GVGD) all suggest that this variant is likely to be disruptive. Algorithms developed to predict the effect of sequence changes on RNA splicing suggest that this variant may disrupt the consensus splice site. In summary, the available evidence is currently insufficient to determine the role of this variant in disease. Therefore, it has been classified as a Variant of Uncertain Significance.